The following is an entry in ClinVar:

NM_015047.3(EMC1):c.2803-3C>T

Genes: EMC1 (ER membrane protein complex subunit 1; minus strand), EMC1-AS1 (EMC1 antisense RNA 1; plus strand). Cytogenetic location: 1p36.13.
Variant type: single nucleotide variant.
Coding change: c.2803-3C>T on transcript NM_015047.3 (MANE Select); 3 bases into the intron before coding-DNA position 2803, C replaced by T.
Molecular consequence: intron variant.
Genome position (GRCh38, 1-based): chr1:19,219,485, G>A on the plus strand (C>T on the coding strand, the complement: EMC1 is on the minus strand). VCF-style: chr1-19219485-G-A. GRCh37 (hg19) VCF-style: chr1-19545979-G-A.
Other names: c.2737-3C>T (NM_001271429.2); c.2800-3C>T (NM_001271427.2, NM_001271428.2); c.2809-3C>T (NM_001375821.1); c.2812-3C>T (NM_001375820.1).
Identifiers: ClinVar variation 3613838 (VCV003613838.2).

ClinVar aggregate classification (germline): Uncertain significance (1 of 4 stars; one submission).

gnomAD v4.1: 15 of 1,613,796 alleles (0.00093%); highest among the groups gnomAD compares: Middle Eastern, 0.016%; no homozygotes.

Submission:

Labcorp Genetics (formerly Invitae), Labcorp
Classification: Uncertain significance. Last evaluated: 2024-11-16. Review status: criteria provided, single submitter. Criteria: Invitae Variant Classification Sherloc (09022015). Collection method: clinical testing. Allele origin: germline.
Comment: This sequence change falls in intron 22 of the EMC1 gene. It does not directly change the encoded amino acid sequence of the EMC1 protein. It affects a nucleotide within the consensus splice site. This variant is present in population databases (rs756767859, gnomAD 0.002%). This variant has not been reported in the literature in individuals affected with EMC1-related conditions. Variants that disrupt the consensus splice site are a relatively common cause of aberrant splicing (PMID: 17576681, 9536098). Algorithms developed to predict the effect of sequence changes on RNA splicing suggest that this variant is not likely to affect RNA splicing. In summary, the available evidence is currently insufficient to determine the role of this variant in disease. Therefore, it has been classified as a Variant of Uncertain Significance.

Literature cited by the submitters: PubMed 17576681; PubMed 9536098.